The following is an entry in ClinVar:

NM_004618.5(TOP3A):c.505C>T (p.Pro169Ser)

Gene: TOP3A (DNA topoisomerase III alpha; minus strand). Cytogenetic location: 17p11.2.
Variant type: single nucleotide variant.
Coding change: c.505C>T on transcript NM_004618.5 (MANE Select); coding-DNA position 505, C replaced by T.
Protein change: p.Pro169Ser; replaces proline 169 with serine.
Molecular consequence: missense variant.
Genome position (GRCh38, 1-based): chr17:18,302,718, G>A on the plus strand (C>T on the coding strand, the complement: TOP3A is on the minus strand). VCF-style: chr17-18302718-G-A. GRCh37 (hg19) VCF-style: chr17-18206032-G-A.
Other names: c.220C>T, p.Pro74Ser (NM_001320759.2); short protein forms P169S, P74S.
Identifiers: ClinVar variation 2580566 (VCV002580566.1), dbSNP rs371443079, ClinGen allele CA288456206.

ClinVar aggregate classification (germline): Uncertain significance (1 of 4 stars; one submission).

Allele frequency attached by ClinVar (database versions not stated): gnomAD exomes 0.00001; gnomAD 0.00007; TOPMed 0.00007; ESP Exome Variant Server 0.00008.
gnomAD v4.1: 24 of 1,613,378 alleles (0.0015%); highest among the groups gnomAD compares: African/African-American, 0.028%; no homozygotes.

Submission:

GeneDx
Classification: Uncertain significance. Last evaluated: 2023-03-20. Review status: criteria provided, single submitter. Criteria: GeneDx Variant Classification Process June 2021. Collection method: clinical testing. Allele origin: germline. Affected: yes.
Comment: In silico analysis supports that this missense variant has a deleterious effect on protein structure/function; Has not been previously published as pathogenic or benign to our knowledge